The following is an entry in ClinVar:

ClinVar aggregate classification (germline): Benign. Review status: criteria provided, multiple submitters, no conflicts (2 of 4 stars). 9 submissions from 9 submitters: Benign (8). 1 of the submissions does not count toward it. Last evaluated 2026-02-04.

Conditions:
Dilated cardiomyopathy 2B. Identifiers: Orphanet 154, MedGen C3553409, MONDO:0013848, OMIM 614672.

Allele frequency attached by ClinVar (database versions not stated): 1000 Genomes Project 30x 0.08151; 1000 Genomes Project 0.08167; TOPMed 0.10054; gnomAD 0.10405 and 0.10561; gnomAD exomes 0.17050; ExAC 0.26543.
gnomAD v4.1: 149,330 of 1,275,386 alleles (12%); highest among the groups gnomAD compares: Middle Eastern, 12%; 8,931 homozygotes.

Submissions (9):

Labcorp Genetics (formerly Invitae), Labcorp
Classification: Benign for Dilated cardiomyopathy 2B. Last evaluated: 2026-02-04. Review status: criteria provided, single submitter. Criteria: Invitae Variant Classification Sherloc (09022015). Collection method: clinical testing. Allele origin: germline.

Blueprint Genetics
Classification: Benign. Last evaluated: 2024-11-27. Review status: criteria provided, single submitter. Criteria: ACMG Guidelines, 2015. Collection method: clinical testing. Allele origin: germline.

Phosphorus, Inc.
Classification: Benign for Dilated cardiomyopathy 2B. Last evaluated: 2017-08-01. Review status: criteria provided, single submitter. Criteria: ACMG Guidelines, 2015. Collection method: clinical testing. Allele origin: germline. Observed: 4 variant alleles.

Genome Diagnostics Laboratory, University Medical Center Utrecht
Classification: Benign for Dilated cardiomyopathy 2B. Last evaluated: 2017-07-28. Review status: criteria provided, single submitter. Criteria: ACGS Guidelines, 2013. Collection method: clinical testing. Allele origin: germline. Affected: yes. Study: VKGL Data-share Consensus.

Eurofins Ntd Llc (ga)
Classification: Benign. Last evaluated: 2015-04-10. Review status: criteria provided, single submitter. Criteria: EGL Classification Definitions 2015. Collection method: clinical testing. Allele origin: germline. Observed: 1 variant allele, 1 heterozygote.

GeneDx
Classification: Benign. Last evaluated: 2013-11-18. Review status: criteria provided, single submitter. Criteria: GeneDx Variant Classification (06012015). Collection method: clinical testing. Allele origin: germline. Affected: yes.
Comment: This variant is considered likely benign or benign based on one or more of the following criteria: it is a conservative change, it occurs at a poorly conserved position in the protein, it is predicted to be benign by multiple in silico algorithms, and/or has population frequency not consistent with disease.

Laboratory for Molecular Medicine, Mass General Brigham Personalized Medicine
Classification: Benign. Last evaluated: 2012-03-19. Review status: criteria provided, single submitter. Criteria: LMM Criteria. Collection method: clinical testing. Allele origin: germline. Observed: 349 variant alleles.
Comment: p.Gly54Ser in Exon 01 of GATAD1: This variant is not expected to have clinical s ignificance because it has been identified in 9.4% (282/2994) of European Americ an chromosomes from a broad population by the NHLBI Exome Sequencing Project (dbSNP rs10281879).

Breakthrough Genomics
Classification: Benign. Review status: criteria provided, single submitter. Criteria: ACMG Guidelines, 2015. Collection method: not provided. Allele origin: germline. Inheritance: Autosomal recessive inheritance. Affected: yes.

Diagnostic Laboratory, Department of Genetics, University Medical Center Groningen
Classification: Benign for Dilated cardiomyopathy 2B. Review status: no assertion criteria provided. Collection method: clinical testing. Allele origin: germline. Affected: yes. Study: VKGL Data-share Consensus. Not counted in ClinVar's aggregate classification.

NM_021167.5(GATAD1):c.160G>A (p.Gly54Ser)

Genes: GATAD1 (GATA zinc finger domain containing 1; plus strand), LOC129998793 (ATAC-STARR-seq lymphoblastoid silent region 18371; plus strand). Cytogenetic location: 7q21.2.
Variant type: single nucleotide variant.
Coding change: c.160G>A on transcript NM_021167.5 (MANE Select); coding-DNA position 160, G replaced by A.
Protein change: p.Gly54Ser; replaces glycine 54 with serine.
Molecular consequence: missense variant. On other transcripts: non-coding transcript variant (1).
Genome position (GRCh38, 1-based): chr7:92,447,889, G>A. VCF-style: chr7-92447889-G-A. GRCh37 (hg19) VCF-style: chr7-92077203-G-A.
Other names: p.G54S:GGC>AGC; short protein forms G54S.
Identifiers: ClinVar variation 45825 (VCV000045825.19), dbSNP rs10281879, ClinGen allele CA137112.